The following is an entry in ClinVar:

ClinVar aggregate classification (germline): Conflicting classifications of pathogenicity. Review status: criteria provided, conflicting classifications (1 of 4 stars). 4 submissions from 4 submitters: Uncertain significance (2); Likely benign (1). 1 of the submissions does not count toward it. Last evaluated 2024-05-06.

Conditions:
Primary ciliary dyskinesia 28. Also called: CILIARY DYSKINESIA, PRIMARY, 28, WITH OR WITHOUT SITUS INVERSUS. Identifiers: Orphanet 244, MedGen C3809706, MONDO:0014216, OMIM 615505.
SPAG1-related disorder. Also called: SPAG1-related condition.
Primary ciliary dyskinesia. Also called: Ciliary dyskinesia. Identifiers: Orphanet 244, MedGen C0008780, MONDO:0016575, HP:0012265.

Allele frequency attached by ClinVar (database versions not stated): gnomAD exomes 0.00004 and 0.00011; ExAC 0.00014; ESP Exome Variant Server 0.00023; gnomAD 0.00037 and 0.00042; 1000 Genomes Project 0.00040; TOPMed 0.00044; 1000 Genomes Project 30x 0.00047.
gnomAD v4.1: 118 of 1,613,908 alleles (0.0073%); highest among the groups gnomAD compares: African/African-American, 0.14%; no homozygotes.

Submissions (4):

Fulgent Genetics
Classification: Uncertain significance for Primary ciliary dyskinesia 28. Last evaluated: 2024-05-06. Review status: criteria provided, single submitter. Criteria: ACMG Guidelines, 2015. Collection method: clinical testing. Allele origin: germline.

Labcorp Genetics (formerly Invitae), Labcorp
Classification: Uncertain significance for Primary ciliary dyskinesia 28. Last evaluated: 2023-11-27. Review status: criteria provided, single submitter. Criteria: Invitae Variant Classification Sherloc (09022015). Collection method: clinical testing. Allele origin: germline.
Comment: This sequence change replaces alanine, which is neutral and non-polar, with threonine, which is neutral and polar, at codon 69 of the SPAG1 protein (p.Ala69Thr). This variant is present in population databases (rs149271265, gnomAD 0.2%). This missense change has been observed in individual(s) with chronic cough (PCD/CFTR panel) (Invitae). ClinVar contains an entry for this variant (Variation ID: 242014). Advanced modeling of protein sequence and biophysical properties (such as structural, functional, and spatial information, amino acid conservation, physicochemical variation, residue mobility, and thermodynamic stability) has been performed at Invitae for this missense variant, however the output from this modeling did not meet the statistical confidence thresholds required to predict the impact of this variant on SPAG1 protein function. In summary, the available evidence is currently insufficient to determine the role of this variant in disease. Therefore, it has been classified as a Variant of Uncertain Significance.

Ambry Genetics
Classification: Likely benign for Primary ciliary dyskinesia. Last evaluated: 2022-09-27. Review status: criteria provided, single submitter. Criteria: Ambry Variant Classification Scheme 2023. Collection method: clinical testing. Allele origin: germline.

PreventionGenetics, part of Exact Sciences
Classification: Likely benign for SPAG1-related condition. Last evaluated: 2022-04-29. Review status: no assertion criteria provided. Collection method: clinical testing. Allele origin: germline. Not counted in ClinVar's aggregate classification.
Comment: This variant is classified as likely benign based on ACMG/AMP sequence variant interpretation guidelines (Richards et al. 2015 PMID: 25741868, with internal and published modifications).

NM_003114.5(SPAG1):c.205G>A (p.Ala69Thr)

Gene: SPAG1 (sperm associated antigen 1; plus strand). Cytogenetic location: 8q22.2.
Variant type: single nucleotide variant.
Coding change: c.205G>A on transcript NM_003114.5 (MANE Select); coding-DNA position 205, G replaced by A.
Protein change: p.Ala69Thr; replaces alanine 69 with threonine.
Molecular consequence: missense variant.
Genome position (GRCh38, 1-based): chr8:100,165,878, G>A. VCF-style: chr8-100165878-G-A. GRCh37 (hg19) VCF-style: chr8-101178106-G-A.
Other names: c.205G>A, p.Ala69Thr (NM_001374321.1, NM_172218.3); short protein forms A69T.
Identifiers: ClinVar variation 242014 (VCV000242014.13), dbSNP rs149271265, ClinGen allele CA4827199.
Genomic context (GRCh38, chr8:100,165,878, plus strand): 5'-GGTGAGGAAGGATATTATCCTGAACTTACAGAATTTTGTGAAAAGCATCTTCAAGCCTTG[G>A]CCCCTGAAAGCAGAGCTTTGAGGAAAGATAAACCAGCAGCAACAGCAGCCAGTTTTACAG-3'
Protein context (NP_003105.2, residues 59-79): EFCEKHLQAL[Ala69Thr]PESRALRKDK